The following is an entry in ClinVar:

NM_213599.3(ANO5):c.1312A>C (p.Lys438Gln)

Gene: ANO5 (anoctamin 5; plus strand). Cytogenetic location: 11p14.3.
Variant type: single nucleotide variant.
Coding change: c.1312A>C on transcript NM_213599.3 (MANE Select); coding-DNA position 1312, A replaced by C.
Protein change: p.Lys438Gln; replaces lysine 438 with glutamine.
Molecular consequence: missense variant.
Genome position (GRCh38, 1-based): chr11:22,255,502, A>C. VCF-style: chr11-22255502-A-C. GRCh37 (hg19) VCF-style: chr11-22277048-A-C.
Other names: c.1309A>C, p.Lys437Gln (NM_001142649.2); short protein forms K437Q, K438Q.
Identifiers: ClinVar variation 640338 (VCV000640338.11), dbSNP rs761417429, ClinGen allele CA5923193.

ClinVar aggregate classification (germline): Uncertain significance (1 of 4 stars; one submission).

Conditions:
Autosomal recessive limb-girdle muscular dystrophy type 2L (LGMDR12). Also called: Limb-girdle muscular dystrophy, type 2L; MUSCULAR DYSTROPHY, LIMB-GIRDLE, AUTOSOMAL RECESSIVE 12; Limb-Girdle Muscular Dystrophy R12 Anoctamin-5-Related (LGMD-R12). Identifiers: Orphanet 206549, MedGen C1969785, MONDO:0012652, OMIM 611307.
Gnathodiaphyseal dysplasia (GDD). Also called: GNATHODIAPHYSEAL SCLEROSIS; OSTEOGENESIS IMPERFECTA WITH UNUSUAL SKELETAL LESIONS. Identifiers: Orphanet 53697, MedGen C1833736, MONDO:0008151, OMIM 166260.

Allele frequency attached by ClinVar (database versions not stated): gnomAD exomes below 0.00001 and 0.00001; ExAC 0.00001; TOPMed 0.00001; gnomAD 0.00003.
gnomAD v4.1: 1 of 1,613,426 alleles (0.000062%); highest among the groups gnomAD compares: African/African-American, 0.0013%; no homozygotes.

Submission:

Labcorp Genetics (formerly Invitae), Labcorp
Classification: Uncertain significance for Autosomal recessive limb-girdle muscular dystrophy type 2L; Gnathodiaphyseal dysplasia. Last evaluated: 2025-03-26. Review status: criteria provided, single submitter. Criteria: Invitae Variant Classification Sherloc (09022015). Collection method: clinical testing. Allele origin: germline.
Comment: This sequence change replaces lysine, which is basic and polar, with glutamine, which is neutral and polar, at codon 438 of the ANO5 protein (p.Lys438Gln). This variant is present in population databases (rs761417429, gnomAD 0.01%). This variant has not been reported in the literature in individuals affected with ANO5-related conditions. ClinVar contains an entry for this variant (Variation ID: 640338). Invitae Evidence Modeling of protein sequence and biophysical properties (such as structural, functional, and spatial information, amino acid conservation, physicochemical variation, residue mobility, and thermodynamic stability) has been performed for this missense variant. However, the output from this modeling did not meet the statistical confidence thresholds required to predict the impact of this variant on ANO5 protein function. In summary, the available evidence is currently insufficient to determine the role of this variant in disease. Therefore, it has been classified as a Variant of Uncertain Significance.